The following is an entry in ClinVar:

ClinVar aggregate classification (germline): Pathogenic (1 of 4 stars; one submission).

Conditions:
Pyridoxine-dependent epilepsy (EPEO4). Also called: PYRIDOXINE DEPENDENCY WITH SEIZURES; Pyridoxine-Dependent Seizures; Pyridoxine-Dependent Epilepsy - ALDH7A1; EPILEPSY, EARLY-ONSET, 4, VITAMIN B6-DEPENDENT. Identifiers: Orphanet 3006, MedGen C1849508, MONDO:0009945, OMIM 266100. Disease mechanism: loss of function.

Submission:

Labcorp Genetics (formerly Invitae), Labcorp
Classification: Pathogenic for Pyridoxine-dependent epilepsy. Last evaluated: 2023-01-05. Review status: criteria provided, single submitter. Criteria: Invitae Variant Classification Sherloc (09022015). Collection method: clinical testing. Allele origin: unknown.
Comment: For these reasons, this variant has been classified as Pathogenic. This variant has not been reported in the literature in individuals affected with ALDH7A1-related conditions. This variant is a gross deletion of the genomic region encompassing exon(s) 1-3 of the ALDH7A1 gene, which includes the initiator codon. This deletion extends beyond the assayed region for this gene and therefore may encompass additional genes. It is expected to result in an absent or disrupted protein product. Loss-of-function variants in ALDH7A1 are known to be pathogenic (PMID: 16491085, 20554659).

Literature cited by the submitters: PubMed 16491085; PubMed 20554659.

NC_000005.9:g.(?_125928336)_(125930890_?)del

Gene: ALDH7A1 (aldehyde dehydrogenase 7 family member A1; minus strand). Cytogenetic location: 5q23.2.
Variant type: Deletion.
Identifiers: ClinVar variation 3246339 (VCV003246339.1).